The following is an entry in ClinVar:

NM_022089.4(ATP13A2):c.3440G>A (p.Arg1147His)

Gene: ATP13A2 (ATPase cation transporting 13A2; minus strand). Cytogenetic location: 1p36.13.
Variant type: single nucleotide variant.
Coding change: c.3440G>A on transcript NM_022089.4 (MANE Select); coding-DNA position 3440, G replaced by A.
Protein change: p.Arg1147His; replaces arginine 1147 with histidine.
Molecular consequence: missense variant. On other transcripts: synonymous variant (1).
Genome position (GRCh38, 1-based): chr1:16,986,324, C>T on the plus strand (G>A on the coding strand, the complement: ATP13A2 is on the minus strand). VCF-style: chr1-16986324-C-T. GRCh37 (hg19) VCF-style: chr1-17312819-C-T.
Other names: c.3425G>A, p.Arg1142His (NM_001141973.3); c.3138G>A, p.Ala1046= (NM_001141974.3); short protein forms R1142H, R1147H.
Identifiers: ClinVar variation 1387449 (VCV001387449.5), dbSNP rs971337693, ClinGen allele CA18624822.

ClinVar aggregate classification (germline): Uncertain significance (1 of 4 stars; one submission).

Conditions:
Kufor-Rakeb syndrome (KRS). Also called: PARKINSON DISEASE 9, AUTOSOMAL RECESSIVE, JUVENILE-ONSET. Identifiers: Orphanet 306674, Orphanet 314632, MedGen C1847640, MONDO:0011706, OMIM 606693.
Autosomal recessive spastic paraplegia type 78. Identifiers: Orphanet 513436, MedGen C5567893, MONDO:0014975, OMIM 617225.

Allele frequency attached by ClinVar (database versions not stated): gnomAD 0.00001; gnomAD exomes 0.00001 and 0.00003; TOPMed 0.00004.
gnomAD v4.1: 10 of 1,583,670 alleles (0.00063%); highest among the groups gnomAD compares: Admixed American, 0.0092%; no homozygotes.

Submission:

Labcorp Genetics (formerly Invitae), Labcorp
Classification: Uncertain significance for Kufor-Rakeb syndrome; Autosomal recessive spastic paraplegia type 78. Last evaluated: 2022-08-15. Review status: criteria provided, single submitter. Criteria: Invitae Variant Classification Sherloc (09022015). Collection method: clinical testing. Allele origin: germline.
Comment: This sequence change replaces arginine, which is basic and polar, with histidine, which is basic and polar, at codon 1147 of the ATP13A2 protein (p.Arg1147His). This variant is present in population databases (no rsID available, gnomAD 0.01%). This variant has not been reported in the literature in individuals affected with ATP13A2-related conditions. ClinVar contains an entry for this variant (Variation ID: 1387449). Advanced modeling of protein sequence and biophysical properties (such as structural, functional, and spatial information, amino acid conservation, physicochemical variation, residue mobility, and thermodynamic stability) performed at Invitae indicates that this missense variant is not expected to disrupt ATP13A2 protein function. In summary, the available evidence is currently insufficient to determine the role of this variant in disease. Therefore, it has been classified as a Variant of Uncertain Significance.